The following is an entry in ClinVar:

ClinVar aggregate classification (germline): Uncertain significance (1 of 4 stars; one submission).

Allele frequency attached by ClinVar (database versions not stated): gnomAD exomes below 0.00001.
gnomAD v4.1: 2 of 1,613,944 alleles (0.00012%); highest among the groups gnomAD compares: African/African-American, 0.0013%; no homozygotes.

Submission:

Labcorp Genetics (formerly Invitae), Labcorp
Classification: Uncertain significance. Last evaluated: 2022-07-25. Review status: criteria provided, single submitter. Criteria: Invitae Variant Classification Sherloc (09022015). Collection method: clinical testing. Allele origin: germline.
Comment: In summary, the available evidence is currently insufficient to determine the role of this variant in disease. Therefore, it has been classified as a Variant of Uncertain Significance. Algorithms developed to predict the effect of missense changes on protein structure and function (SIFT, PolyPhen-2, Align-GVGD) all suggest that this variant is likely to be tolerated. This variant has not been reported in the literature in individuals affected with CNOT1-related conditions. This variant is not present in population databases (gnomAD no frequency). This sequence change replaces alanine, which is neutral and non-polar, with valine, which is neutral and non-polar, at codon 2223 of the CNOT1 protein (p.Ala2223Val).

NM_016284.5(CNOT1):c.6683C>T (p.Ala2228Val)

Gene: CNOT1 (CCR4-NOT transcription complex subunit 1; minus strand). Cytogenetic location: 16q21.
Variant type: single nucleotide variant.
Coding change: c.6683C>T on transcript NM_016284.5 (MANE Select); coding-DNA position 6683, C replaced by T.
Protein change: p.Ala2228Val; replaces alanine 2228 with valine.
Molecular consequence: missense variant. On other transcripts: non-coding transcript variant (1).
Genome position (GRCh38, 1-based): chr16:58,525,280, G>A on the plus strand (C>T on the coding strand, the complement: CNOT1 is on the minus strand). VCF-style: chr16-58525280-G-A. GRCh37 (hg19) VCF-style: chr16-58559184-G-A.
Other names: c.6668C>T, p.Ala2223Val (NM_001265612.2); short protein forms A2223V, A2228V.
Identifiers: ClinVar variation 2174122 (VCV002174122.4), dbSNP rs2543811592, ClinGen allele CA396161003.
Genomic context (GRCh38, chr16:58,525,280, plus strand): 5'-ATGTGTGCTGAGTGAGTGATGGTGCTCATTGAAGGTGTGCTGCCCTTGTTGTGGATGTGC[G>A]CAATGGCCTGAGTCCCGACATAGAGCACCAGTGCATTGATGAGCTGGAGGTTGTAGCGAT-3'
Protein context (NP_057368.3, residues 2218-2238): LVLYVGTQAI[Ala2228Val]HIHNKGSTPS